The following is an entry in ClinVar:

NM_005428.4(VAV1):c.332C>T (p.Thr111Ile)

Gene: VAV1 (vav guanine nucleotide exchange factor 1; plus strand). Cytogenetic location: 19p13.3.
Variant type: single nucleotide variant.
Coding change: c.332C>T on transcript NM_005428.4 (MANE Select); coding-DNA position 332, C replaced by T.
Protein change: p.Thr111Ile; replaces threonine 111 with isoleucine.
Molecular consequence: missense variant.
Genome position (GRCh38, 1-based): chr19:6,821,632, C>T. VCF-style: chr19-6821632-C-T. GRCh37 (hg19) VCF-style: chr19-6821643-C-T.
Other names: c.332C>T, p.Thr111Ile (NM_001258206.2, NM_001258207.2); short protein forms T111I.
Identifiers: ClinVar variation 3682427 (VCV003682427.2).

ClinVar aggregate classification (germline): Uncertain significance (1 of 4 stars; one submission).

Submission:

Labcorp Genetics (formerly Invitae), Labcorp
Classification: Uncertain significance. Last evaluated: 2024-12-12. Review status: criteria provided, single submitter. Criteria: Invitae Variant Classification Sherloc (09022015). Collection method: clinical testing. Allele origin: germline.
Comment: This sequence change replaces threonine, which is neutral and polar, with isoleucine, which is neutral and non-polar, at codon 111 of the VAV1 protein (p.Thr111Ile). This variant is not present in population databases (gnomAD no frequency). This variant has not been reported in the literature in individuals affected with VAV1-related conditions. An algorithm developed to predict the effect of missense changes on protein structure and function (PolyPhen-2) suggests that this variant is likely to be disruptive. In summary, the available evidence is currently insufficient to determine the role of this variant in disease. Therefore, it has been classified as a Variant of Uncertain Significance.